The following is an entry in ClinVar:

ClinVar aggregate classification (germline): Benign/Likely benign. Review status: criteria provided, multiple submitters, no conflicts (2 of 4 stars). 2 submissions from 2 submitters: Benign (1); Likely benign (1). Last evaluated 2026-05-01.

Allele frequency attached by ClinVar (database versions not stated): 1000 Genomes Project 30x 0.00031; 1000 Genomes Project 0.00040; gnomAD 0.00066 and 0.00070; TOPMed 0.00094; gnomAD exomes 0.00098; ExAC 0.00107; ESP Exome Variant Server 0.00138.
gnomAD v4.1: 2,213 of 1,614,094 alleles (0.14%); highest among the groups gnomAD compares: South Asian, 0.26%; 3 homozygotes.

Submissions (2):

CeGaT Center for Human Genetics Tuebingen
Classification: Likely benign. Last evaluated: 2026-05-01. Review status: criteria provided, single submitter. Criteria: CeGaT Center For Human Genetics Tuebingen Variant Classification Criteria Version 2. Collection method: clinical testing. Allele origin: germline. Affected: yes. Observed: 9 variant alleles.
Comment: ZBTB20: BP4, BS1

Labcorp Genetics (formerly Invitae), Labcorp
Classification: Benign. Last evaluated: 2026-01-21. Review status: criteria provided, single submitter. Criteria: Invitae Variant Classification Sherloc (09022015). Collection method: clinical testing. Allele origin: germline.

NM_001348800.3(ZBTB20):c.2070C>A (p.Thr690=)

Gene: ZBTB20 (zinc finger and BTB domain containing 20; minus strand). Cytogenetic location: 3q13.31.
Variant type: single nucleotide variant.
Coding change: c.2070C>A on transcript NM_001348800.3 (MANE Select); coding-DNA position 2070, C replaced by A.
Protein change: p.Thr690=; no amino-acid change (threonine 690 retained).
Molecular consequence: synonymous variant. On other transcripts: non-coding transcript variant (1).
Genome position (GRCh38, 1-based): chr3:114,339,161, G>T on the plus strand (C>A on the coding strand, the complement: ZBTB20 is on the minus strand). VCF-style: chr3-114339161-G-T. GRCh37 (hg19) VCF-style: chr3-114058008-G-T.
Other names: c.2070C>A, p.Thr690= (NM_001164342.2, NM_001348803.3, NM_001393393.1 and 1 more transcripts); c.1851C>A, p.Thr617= (NM_001164343.2, NM_001164344.4, NM_001164345.4 and 9 more transcripts).
Identifiers: ClinVar variation 714947 (VCV000714947.33), dbSNP rs139619357, ClinGen allele CA2551223.
Genomic context (GRCh38, chr3:114,339,161, plus strand): 5'-CGTGCAGGCCACCACGCCTGGGGGGCCAGCGCGGGCACCTGGGGGTGTGCCTGCAGGGGG[G>T]GTCCCATTGCTGGCACTGTGCAGGGCCACGTGTCGCTCCAGGAGGGTCTTGTGAGAGAAC-3'
Protein context (NP_001335729.1, residues 680-700): HVALHSASNG[Thr690=]PPAGTPPGAR